The following is an entry in ClinVar:

NM_021098.3(CACNA1H):c.2452-5T>A

Gene: CACNA1H (calcium voltage-gated channel subunit alpha1 H; plus strand). Cytogenetic location: 16p13.3.
Variant type: single nucleotide variant.
Coding change: c.2452-5T>A on transcript NM_021098.3 (MANE Select); 5 bases into the intron before coding-DNA position 2452, T replaced by A.
Molecular consequence: intron variant.
Genome position (GRCh38, 1-based): chr16:1,205,109, T>A. VCF-style: chr16-1205109-T-A. GRCh37 (hg19) VCF-style: chr16-1255109-T-A.
Other names: c.2452-5T>A (NM_001005407.2).
Identifiers: ClinVar variation 946379 (VCV000946379.9), dbSNP rs1471116016, ClinGen allele CA1139663442.

ClinVar aggregate classification (germline): Uncertain significance (1 of 4 stars; one submission).

Conditions:
Idiopathic generalized epilepsy. Also called: Generalised epilepsy; EIG. Identifiers: MedGen C0270850, MONDO:0005579, OMIM 600669.
Hyperaldosteronism, familial, type IV (HALD4). Also called: FH IV; ALDOSTERONISM, PRIMARY, AND HYPERTENSION. Identifiers: MONDO:0014875, OMIM 617027, Orphanet 642671, MedGen C4310756.

Submission:

Labcorp Genetics (formerly Invitae), Labcorp
Classification: Uncertain significance for Idiopathic generalized epilepsy; Hyperaldosteronism, familial, type IV. Last evaluated: 2022-08-10. Review status: criteria provided, single submitter. Criteria: Invitae Variant Classification Sherloc (09022015). Collection method: clinical testing. Allele origin: germline.
Comment: In summary, the available evidence is currently insufficient to determine the role of this variant in disease. Therefore, it has been classified as a Variant of Uncertain Significance. Algorithms developed to predict the effect of sequence changes on RNA splicing suggest that this variant may create or strengthen a splice site. ClinVar contains an entry for this variant (Variation ID: 946379). This variant has not been reported in the literature in individuals affected with CACNA1H-related conditions. This variant is not present in population databases (gnomAD no frequency). This sequence change falls in intron 10 of the CACNA1H gene. It does not directly change the encoded amino acid sequence of the CACNA1H protein.